The following is an entry in ClinVar:

ClinVar aggregate classification (germline): Pathogenic (1 of 4 stars; one submission).

Conditions:
Neurofibromatosis, type 1 (NF1). Also called: VON RECKLINGHAUSEN DISEASE; Neurofibromatosis, type I; NEUROFIBROMATOSIS, TYPE I, SOMATIC; Peripheral type neurofibromatosis. Identifiers: Orphanet 636, MedGen C0027831, MONDO:0018975, OMIM 162200. Disease mechanism: loss of function.

Submission:

Labcorp Genetics (formerly Invitae), Labcorp
Classification: Pathogenic for Neurofibromatosis, type 1. Last evaluated: 2023-10-25. Review status: criteria provided, single submitter. Criteria: Invitae Variant Classification Sherloc (09022015). Collection method: clinical testing. Allele origin: germline.
Comment: This sequence change creates a premature translational stop signal (p.Phe1205Trpfs*6) in the NF1 gene. It is expected to result in an absent or disrupted protein product. Loss-of-function variants in NF1 are known to be pathogenic (PMID: 10712197, 23913538). This variant is not present in population databases (gnomAD no frequency). This variant has not been reported in the literature in individuals affected with NF1-related conditions. For these reasons, this variant has been classified as Pathogenic.

Literature cited by the submitters: PubMed 10712197; PubMed 23913538.

NM_001042492.3(NF1):c.3614_3626del (p.Phe1205fs)

Gene: NF1 (neurofibromin 1; plus strand). Cytogenetic location: 17q11.2.
Variant type: Deletion.
Coding change: c.3614_3626del on transcript NM_001042492.3 (MANE Select); coding-DNA positions 3614 to 3626, 13 bases deleted (TTGAGAGATTGGT).
Protein change: p.Phe1205fs; shifts the reading frame from phenylalanine 1205.
Molecular consequence: frameshift variant.
Genome position (GRCh38, 1-based): chr17:31,233,119-31,233,131, TTGAGAGATTGGT deleted; deleting any 13 consecutive bases within chr17:31,233,116-31,233,131 gives the same sequence; the c. name uses the placement nearest the transcript's 3' end. VCF-style (leftmost placement, unchanged base first): chr17-31233115-CGGTTTGAGAGATT-C. GRCh37 (hg19) VCF-style: chr17-29560133-CGGTTTGAGAGATT-C.
Other names: c.3614_3626delTTGAGAGATTGGT, p.Phe1205Trpfs (NM_000267.4); short protein forms F1205fs.
Identifiers: ClinVar variation 2771697 (VCV002771697.3), dbSNP rs2508239528, ClinGen allele CA2697559803.
Genomic context (GRCh38, chr17:31,233,115, plus strand): 5'-ACAAAAATCCTTCAACAAGGCACAGAATTTGACACACTTGCAGAAACAGTATTGGCTGAT[CGGTTTGAGAGATT>C]GGTGGAACTGGTCACAATGATGGGTGATCAAGGAGAACTCCCTATAGCGATGGCTCTGGC-3'